The following is an entry in ClinVar:

NM_003073.5(SMARCB1):c.965A>G (p.His322Arg)

Gene: SMARCB1 (SWI/SNF related BAF chromatin remodeling complex subunit B1; plus strand). Cytogenetic location: 22q11.23.
Variant type: single nucleotide variant.
Coding change: c.965A>G on transcript NM_003073.5 (MANE Select); coding-DNA position 965, A replaced by G.
Protein change: p.His322Arg; replaces histidine 322 with arginine.
Molecular consequence: missense variant.
Genome position (GRCh38, 1-based): chr22:23,825,394, A>G. VCF-style: chr22-23825394-A-G. GRCh37 (hg19) VCF-style: chr22-24167581-A-G.
Other names: c.938A>G, p.His313Arg (NM_001007468.3); c.992A>G, p.His331Arg (NM_001317946.2); c.1019A>G, p.His340Arg (NM_001362877.2); short protein forms H313R, H322R, H331R, H340R.
Identifiers: ClinVar variation 3624661 (VCV003624661.2).

ClinVar aggregate classification (germline): Uncertain significance (1 of 4 stars; one submission).

Submission:

Labcorp Genetics (formerly Invitae), Labcorp
Classification: Uncertain significance. Last evaluated: 2024-03-21. Review status: criteria provided, single submitter. Criteria: Invitae Variant Classification Sherloc (09022015). Collection method: clinical testing. Allele origin: germline.
Comment: This sequence change replaces histidine, which is basic and polar, with arginine, which is basic and polar, at codon 322 of the SMARCB1 protein (p.His322Arg). This variant is not present in population databases (gnomAD no frequency). This variant has not been reported in the literature in individuals affected with SMARCB1-related conditions. Advanced modeling of protein sequence and biophysical properties (such as structural, functional, and spatial information, amino acid conservation, physicochemical variation, residue mobility, and thermodynamic stability) performed at Invitae indicates that this missense variant is expected to disrupt SMARCB1 protein function with a positive predictive value of 80%. In summary, the available evidence is currently insufficient to determine the role of this variant in disease. Therefore, it has been classified as a Variant of Uncertain Significance.